The following is an entry in ClinVar:

ClinVar aggregate classification (germline): Uncertain significance (1 of 4 stars; one submission).

Conditions:
TH-deficient dopa-responsive dystonia. Also called: Tyrosine Hydroxylase-Deficient Dopa-Responsive Dystonia; Segawa syndrome, autosomal recessive; DYT-TH. Identifiers: Orphanet 101150, MedGen C2673535, MONDO:0011551, OMIM 605407.

Submission:

Labcorp Genetics (formerly Invitae), Labcorp
Classification: Uncertain significance for TH-deficient dopa-responsive dystonia. Last evaluated: 2022-08-13. Review status: criteria provided, single submitter. Criteria: Invitae Variant Classification Sherloc (09022015). Collection method: clinical testing. Allele origin: germline.
Comment: In summary, the available evidence is currently insufficient to determine the role of this variant in disease. Therefore, it has been classified as a Variant of Uncertain Significance. Advanced modeling of protein sequence and biophysical properties (such as structural, functional, and spatial information, amino acid conservation, physicochemical variation, residue mobility, and thermodynamic stability) performed at Invitae indicates that this missense variant is not expected to disrupt TH protein function. This variant has not been reported in the literature in individuals affected with TH-related conditions. This variant is not present in population databases (gnomAD no frequency). This sequence change replaces phenylalanine, which is neutral and non-polar, with leucine, which is neutral and non-polar, at codon 14 of the TH protein (p.Phe14Leu).

NM_000360.4(TH):c.42C>G (p.Phe14Leu)

Gene: TH (tyrosine hydroxylase; minus strand). Cytogenetic location: 11p15.5.
Variant type: single nucleotide variant.
Coding change: c.42C>G on transcript NM_000360.4 (MANE Select); coding-DNA position 42, C replaced by G.
Protein change: p.Phe14Leu; replaces phenylalanine 14 with leucine.
Molecular consequence: missense variant.
Genome position (GRCh38, 1-based): chr11:2,171,745, G>C on the plus strand (C>G on the coding strand, the complement: TH is on the minus strand). VCF-style: chr11-2171745-G-C. GRCh37 (hg19) VCF-style: chr11-2192975-G-C.
Other names: c.42C>G, p.Phe14Leu (NM_199292.3, NM_199293.3); short protein forms F14L.
Identifiers: ClinVar variation 2188542 (VCV002188542.4), dbSNP rs2495842917, ClinGen allele CA379112850.